The following is an entry in ClinVar:

NM_003073.5(SMARCB1):c.501-1G>A

Gene: SMARCB1 (SWI/SNF related BAF chromatin remodeling complex subunit B1; plus strand). Cytogenetic location: 22q11.23.
Variant type: single nucleotide variant.
Coding change: c.501-1G>A on transcript NM_003073.5 (MANE Select); the canonical splice acceptor site of the intron before coding-DNA position 501, G replaced by A.
Molecular consequence: splice acceptor variant.
Genome position (GRCh38, 1-based): chr22:23,803,294, G>A. VCF-style: chr22-23803294-G-A. GRCh37 (hg19) VCF-style: chr22-24145481-G-A.
Other names: c.555-1G>A (NM_001362877.2); c.528-1G>A (NM_001317946.2); c.474-1G>A (NM_001007468.3).
Identifiers: ClinVar variation 4759319 (VCV004759319.1).

ClinVar aggregate classification (germline): Pathogenic (1 of 4 stars; one submission).

Conditions:
Hereditary cancer-predisposing syndrome. Also called: Neoplastic Syndromes, Hereditary; Hereditary neoplastic syndrome; Tumor predisposition; Hereditary Cancer Syndrome. Identifiers: Orphanet 140162, MedGen C0027672, MeSH D009386, MONDO:0015356.

Submission:

Institute for Genomic Medicine (IGM) Clinical Laboratory, Nationwide Children's Hospital
Classification: Pathogenic for Hereditary cancer-predisposing syndrome. Last evaluated: 2023-07-17. Review status: criteria provided, single submitter. Criteria: ACMG Guidelines, 2015. Collection method: clinical testing. Allele origin: germline.
Comment: This variant is predicted to result in loss of function through nonsense-mediated decay of the encoded transcript or premature truncation of the encoded protein in a gene in which loss of function is a known mechanism of disease (ACMG/AMP: PVS1; PMIDs:21108436, 29706634). This variant has been reported at an elevated frequency in affected individuals/in multiple affected individuals in the literature (ACMG/AMP: PS4_Supporting; PMID:33470921). This variant is absent from or present at an exceedingly low frequency in gnomAD, a large-scale control population database (ACMG/AMP: PM2).

Literature cited by the submitters: PubMed 21108436; PubMed 29706634; PubMed 33470921.